The following is an entry in ClinVar:

NM_031407.7(HUWE1):c.7421T>C (p.Met2474Thr)

Genes: HUWE1 (HECT, UBA and WWE domain containing E3 ubiquitin protein ligase 1; minus strand), LOC126863262 (MED14-independent group 3 enhancer GRCh37_chrX:53588722-53589921; plus strand). Cytogenetic location: Xp11.22.
Variant type: single nucleotide variant.
Coding change: c.7421T>C on transcript NM_031407.7 (MANE Select); coding-DNA position 7421, T replaced by C.
Protein change: p.Met2474Thr; replaces methionine 2474 with threonine.
Molecular consequence: missense variant.
Genome position (GRCh38, 1-based): chrX:53,561,842, A>G on the plus strand (T>C on the coding strand, the complement: HUWE1 is on the minus strand). VCF-style: chrX-53561842-A-G. GRCh37 (hg19) VCF-style: chrX-53588803-A-G.
Other names: c.7421T>C (NM_031407.4); short protein forms M2474T.
Identifiers: ClinVar variation 2192432 (VCV002192432.6), dbSNP rs1407547671, ClinGen allele CA413158585.

ClinVar aggregate classification (germline): Uncertain significance. Review status: criteria provided, multiple submitters, no conflicts (2 of 4 stars). 3 submissions from 3 submitters: Uncertain significance (3). Last evaluated 2025-01-04.

Conditions:
Inborn genetic diseases. Identifiers: MedGen C0950123, MeSH D030342.

Allele frequency attached by ClinVar (database versions not stated): TOPMed 0.00001; gnomAD 0.00002.

Submissions (3):

GeneDx
Classification: Uncertain significance. Last evaluated: 2025-01-04. Review status: criteria provided, single submitter. Criteria: GeneDx Variant Classification Process June 2021. Collection method: clinical testing. Allele origin: germline. Affected: yes.
Comment: Not observed at significant frequency in large population cohorts (gnomAD); In silico analysis indicates that this missense variant does not alter protein structure/function; Has not been previously published as pathogenic or benign to our knowledge

Ambry Genetics
Classification: Uncertain significance for Inborn genetic diseases. Last evaluated: 2024-01-23. Review status: criteria provided, single submitter. Criteria: Ambry Variant Classification Scheme 2023. Collection method: clinical testing. Allele origin: germline.

Labcorp Genetics (formerly Invitae), Labcorp
Classification: Uncertain significance. Last evaluated: 2022-06-04. Review status: criteria provided, single submitter. Criteria: Invitae Variant Classification Sherloc (09022015). Collection method: clinical testing. Allele origin: germline.
Comment: This variant is not present in population databases (gnomAD no frequency). This sequence change replaces methionine, which is neutral and non-polar, with threonine, which is neutral and polar, at codon 2474 of the HUWE1 protein (p.Met2474Thr). This variant has not been reported in the literature in individuals affected with HUWE1-related conditions. In summary, the available evidence is currently insufficient to determine the role of this variant in disease. Therefore, it has been classified as a Variant of Uncertain Significance. Advanced modeling of protein sequence and biophysical properties (such as structural, functional, and spatial information, amino acid conservation, physicochemical variation, residue mobility, and thermodynamic stability) performed at Invitae indicates that this missense variant is not expected to disrupt HUWE1 protein function.